The following is an entry in ClinVar:

NM_001127173.3(CADM3):c.1039A>C (p.Met347Leu)

Genes: CADM3 (cell adhesion molecule 3; plus strand), CADM3-AS1 (CADM3 antisense RNA 1; minus strand). Cytogenetic location: 1q23.2.
Variant type: single nucleotide variant.
Coding change: c.1039A>C on transcript NM_001127173.3 (MANE Select); coding-DNA position 1039, A replaced by C.
Protein change: p.Met347Leu; replaces methionine 347 with leucine.
Molecular consequence: missense variant. On other transcripts: non-coding transcript variant (1).
Genome position (GRCh38, 1-based): chr1:159,199,837, A>C. VCF-style: chr1-159199837-A-C. GRCh37 (hg19) VCF-style: chr1-159169627-A-C.
Other names: c.901A>C, p.Met301Leu (NM_001346510.2); c.1141A>C, p.Met381Leu (NM_021189.5); short protein forms M301L, M347L, M381L.
Identifiers: ClinVar variation 5041431 (VCV005041431.1).

ClinVar aggregate classification (germline): Uncertain significance (1 of 4 stars; one submission).

Submission:

CeGaT Center for Human Genetics Tuebingen
Classification: Uncertain significance. Last evaluated: 2026-09-01. Review status: criteria provided, single submitter. Criteria: CeGaT Center For Human Genetics Tuebingen Variant Classification Criteria Version 2. Collection method: clinical testing. Allele origin: germline. Affected: yes. Observed: 1 variant allele.
Comment: CADM3: PM2, BP4